The following is an entry in ClinVar:

NM_004333.6(BRAF):c.1141-1946G>A

Gene: BRAF (B-Raf proto-oncogene, serine/threonine kinase; minus strand). Cytogenetic location: 7q34.
Variant type: single nucleotide variant.
Coding change: c.1141-1946G>A on transcript NM_004333.6 (MANE Select); 1946 bases into the intron before coding-DNA position 1141, G replaced by A.
Molecular consequence: intron variant.
Genome position (GRCh38, 1-based): chr7:140,789,530, C>T on the plus strand (G>A on the coding strand, the complement: BRAF is on the minus strand). VCF-style: chr7-140789530-C-T. GRCh37 (hg19) VCF-style: chr7-140489330-C-T.
Other names: c.1141-1946G>A (NM_001378474.1, NM_001378468.1, NM_001354609.2 and 3 more transcripts); c.1039-1946G>A (NM_001378470.1); c.877-1946G>A (NM_001378475.1); c.1140+4778G>A (NM_001378471.1); c.1150-1946G>A (NM_001378467.1); c.985-1946G>A (NM_001378472.1, NM_001378473.1).
Identifiers: ClinVar variation 2658052 (VCV002658052.24), dbSNP rs546759405, ClinGen allele CA168096461.
Genomic context (GRCh38, chr7:140,789,530, plus strand): 5'-CATATAAAGTCTTCAACATTTTCTACAGAAAAATCAAATACGTACCTGAAAAGAAGGTGA[C>T]AGGAGTTATATGGCTACTAACAAATATAAAAATCCTAGTGATGTCATTAACTTTCCATTC-3'

ClinVar aggregate classification (germline): Likely benign (1 of 4 stars; one submission).

Allele frequency attached by ClinVar (database versions not stated): gnomAD 0.00010; 1000 Genomes Project 0.00080; 1000 Genomes Project 30x 0.00094.
gnomAD v4.1: 16 of 152,272 alleles (0.011%); highest among the groups gnomAD compares: South Asian, 0.14%; no homozygotes.

Submission:

CeGaT Center for Human Genetics Tuebingen
Classification: Likely benign. Last evaluated: 2026-03-01. Review status: criteria provided, single submitter. Criteria: CeGaT Center For Human Genetics Tuebingen Variant Classification Criteria Version 2. Collection method: clinical testing. Allele origin: germline. Affected: yes. Observed: 4 variant alleles.
Comment: BRAF: BS1